The following is an entry in ClinVar:

NM_016292.3(TRAP1):c.90A>G (p.Gly30=)

Gene: TRAP1 (TNF receptor associated protein 1; minus strand). Cytogenetic location: 16p13.3.
Variant type: single nucleotide variant.
Coding change: c.90A>G on transcript NM_016292.3 (MANE Select); coding-DNA position 90, A replaced by G.
Protein change: p.Gly30=; no amino-acid change (glycine 30 retained).
Molecular consequence: synonymous variant. On other transcripts: intron variant (1).
Genome position (GRCh38, 1-based): chr16:3,690,984, T>C on the plus strand (A>G on the coding strand, the complement: TRAP1 is on the minus strand). VCF-style: chr16-3690984-T-C. GRCh37 (hg19) VCF-style: chr16-3740985-T-C.
Other names: c.89-1847A>G (NM_001272049.2).
Identifiers: ClinVar variation 3031018 (VCV003031018.2), dbSNP rs745722743, ClinGen allele CA7868863.

ClinVar aggregate classification (germline): Likely benign (0 of 4 stars; one submission).

Conditions:
TRAP1-related disorder. Also called: TRAP1-related condition.

Allele frequency attached by ClinVar (database versions not stated): TOPMed 0.00001; gnomAD 0.00002; gnomAD exomes 0.00003; ExAC 0.00010.
gnomAD v4.1: 46 of 1,491,554 alleles (0.0031%); highest among the groups gnomAD compares: South Asian, 0.058%; 1 homozygote.

Submission:

PreventionGenetics, part of Exact Sciences
Classification: Likely benign for TRAP1-related condition. Last evaluated: 2021-03-05. Review status: no assertion criteria provided. Collection method: clinical testing. Allele origin: germline.
Comment: This variant is classified as likely benign based on ACMG/AMP sequence variant interpretation guidelines (Richards et al. 2015 PMID: 25741868, with internal and published modifications).